The following is an entry in ClinVar:

ClinVar aggregate classification (germline): Uncertain significance (1 of 4 stars; one submission).

Conditions:
Tuberous sclerosis syndrome (TSC). Also called: Tuberous Sclerosis Complex; Tuberous sclerosis. Identifiers: Orphanet 805, MedGen C0041341, MONDO:0001734.

gnomAD v4.1: 1 of 1,614,156 alleles (0.000062%); highest among the groups gnomAD compares: Non-Finnish European, 0.000085%; no homozygotes.

Submission:

All of Us Research Program, National Institutes of Health
Classification: Uncertain significance for Tuberous sclerosis syndrome. Last evaluated: 2024-03-24. Review status: criteria provided, single submitter. Criteria: ACMG Guidelines, 2015. Collection method: clinical testing. Allele origin: germline. Inheritance: Autosomal dominant inheritance. Observed: 1 variant allele, 1 heterozygote.
Comment: This missense variant replaces glutamic acid with lysine at codon 78 of the TSC1 protein. Computational prediction is inconclusive regarding the impact of this variant on protein structure and function (internally defined REVEL score threshold 0.5 < inconclusive < 0.7, PMID: 27666373). To our knowledge, functional studies have not been reported for this variant. This variant has not been reported in individuals affected with TSC1-related disorders in the literature. This variant has not been identified in the general population by the Genome Aggregation Database (gnomAD). The available evidence is insufficient to determine the role of this variant in disease conclusively. Therefore, this variant is classified as a Variant of Uncertain Significance.

This study involves interpretation of variants in research participants for the purpose of population health screening. Participant phenotype was not available at the time of variant classification. Additional details can be found in publication PMID: 35346344, PMCID: PMC8962531

NM_000368.5(TSC1):c.232G>A (p.Glu78Lys)

Gene: TSC1 (TSC complex subunit 1; minus strand). Cytogenetic location: 9q34.13.
Variant type: single nucleotide variant.
Coding change: c.232G>A on transcript NM_000368.5 (MANE Select); coding-DNA position 232, G replaced by A.
Protein change: p.Glu78Lys; replaces glutamic acid 78 with lysine.
Molecular consequence: missense variant. On other transcripts: 5 prime UTR variant (18), non-coding transcript variant (5), intron variant (5).
Genome position (GRCh38, 1-based): chr9:132,925,718, C>T on the plus strand (G>A on the coding strand, the complement: TSC1 is on the minus strand). VCF-style: chr9-132925718-C-T. GRCh37 (hg19) VCF-style: chr9-135801105-C-T.
Other names: c.232G>A, p.Glu78Lys (NM_001406602.1, NM_001406603.1, NM_001406604.1 and 16 more transcripts); c.-224G>A (NM_001406614.1, NM_001406616.1, NM_001406624.1); c.-257G>A (NM_001406615.1, NM_001406623.1); c.-132G>A (NM_001406617.1, NM_001406618.1, NM_001406619.1 and 5 more transcripts); c.-646G>A (NM_001406626.1, NM_001406627.1, NM_001406628.1); c.-788G>A (NM_001406629.1); c.-862G>A (NM_001406630.1); c.210+1483G>A (NM_001406613.1, NM_001406612.1, NM_001406610.1 and 2 more transcripts); short protein forms E78K.
Identifiers: ClinVar variation 3386152 (VCV003386152.1).